The following is an entry in ClinVar:

NM_015338.6(ASXL1):c.31C>T (p.Arg11Cys)

Gene: ASXL1 (ASXL transcriptional regulator 1; plus strand). Cytogenetic location: 20q11.21.
Variant type: single nucleotide variant.
Coding change: c.31C>T on transcript NM_015338.6 (MANE Select); coding-DNA position 31, C replaced by T.
Protein change: p.Arg11Cys; replaces arginine 11 with cysteine.
Molecular consequence: missense variant.
Genome position (GRCh38, 1-based): chr20:32,358,806, C>T. VCF-style: chr20-32358806-C-T. GRCh37 (hg19) VCF-style: chr20-30946609-C-T.
Other names: c.31C>T, p.Arg11Cys (NM_001164603.1); short protein forms R11C.
Identifiers: ClinVar variation 4158829 (VCV004158829.1).

ClinVar aggregate classification (germline): Uncertain significance (1 of 4 stars; one submission).

Conditions:
Inborn genetic diseases. Identifiers: MedGen C0950123, MeSH D030342.

gnomAD v4.1: 4 of 1,508,062 alleles (0.00027%); highest among the groups gnomAD compares: Non-Finnish European, 0.00027%; no homozygotes.

Submission:

Ambry Genetics
Classification: Uncertain significance for Inborn genetic diseases. Last evaluated: 2025-08-10. Review status: criteria provided, single submitter. Criteria: Ambry Variant Classification Scheme 2023. Collection method: clinical testing. Allele origin: germline.
Comment: The p.R11C variant (also known as c.31C>T), located in coding exon 1 of the ASXL1 gene, results from a C to T substitution at nucleotide position 31. The arginine at codon 11 is replaced by cysteine, an amino acid with highly dissimilar properties. This amino acid position is conserved. In addition, this alteration is predicted to be tolerated by in silico analysis. Based on the available evidence, the clinical significance of this variant remains unclear.